The following is an entry in ClinVar:

ClinVar aggregate classification (germline): Uncertain significance (1 of 4 stars; one submission).

Conditions:
X-linked agammaglobulinemia (XLA). Also called: IMMUNODEFICIENCY 1; Agammaglobulinemia, Bruton tyrosine kinase; Agammaglobulinemia, BTK; BTK-deficiency; Bruton-type agammaglobulinemia; Bruton's agammaglobulinemia. Identifiers: Orphanet 229717, Orphanet 47, MedGen C0221026, MONDO:0010421, OMIM 300755.

gnomAD v4.1: 1 of 1,210,008 alleles (0.000083%); highest among the groups gnomAD compares: African/African-American, 0.0017%; no homozygotes.

Submission:

3billion
Classification: Uncertain significance for X-linked agammaglobulinemia. Last evaluated: 2024-10-15. Review status: criteria provided, single submitter. Criteria: ACMG Guidelines, 2015. Collection method: clinical testing. Allele origin: germline. Affected: yes.
Comment: The variant is observed at an extremely low frequency in the gnomAD v4.1.0 dataset (total allele frequency: <0.001%). Predicted Consequence/Location: Missense variant In silico tool predictions suggest damaging effect of the variant on gene or gene product [REVEL: 0.83 (>=0.6, sensitivity 0.68 and specificity 0.92)]. Therefore, this variant is classified as VUS according to the recommendation of ACMG/AMP guideline.

NM_000061.3(BTK):c.1304G>T (p.Gly435Val)

Gene: BTK (Bruton tyrosine kinase; minus strand). Cytogenetic location: Xq22.1.
Variant type: single nucleotide variant.
Coding change: c.1304G>T on transcript NM_000061.3 (MANE Select); coding-DNA position 1304, G replaced by T.
Protein change: p.Gly435Val; replaces glycine 435 with valine.
Molecular consequence: missense variant. On other transcripts: intron variant (1).
Genome position (GRCh38, 1-based): chrX:101,356,829, C>A on the plus strand (G>T on the coding strand, the complement: BTK is on the minus strand). VCF-style: chrX-101356829-C-A. GRCh37 (hg19) VCF-style: chrX-100611817-C-A.
Other names: c.1406G>T, p.Gly469Val (NM_001287344.2); c.1038+1545G>T (NM_001287345.2); short protein forms G435V, G469V.
Identifiers: ClinVar variation 4293823 (VCV004293823.1).